The following is an entry in ClinVar:

ClinVar aggregate classification (germline): Uncertain significance. Review status: criteria provided, multiple submitters, no conflicts (2 of 4 stars). 3 submissions from 3 submitters: Uncertain significance (3). Last evaluated 2025-12-16.

Conditions:
Inborn genetic diseases. Identifiers: MedGen C0950123, MeSH D030342.
Adenylosuccinate lyase deficiency (ADSLD). Also called: ADSL DEFICIENCY. Identifiers: Orphanet 46, MedGen C0268126, MONDO:0007068, OMIM 103050.

Allele frequency attached by ClinVar (database versions not stated): TOPMed below 0.00001; ExAC 0.00001; gnomAD exomes below 0.00001; gnomAD 0.00001.

Submissions (3):

Ambry Genetics
Classification: Uncertain significance for Inborn genetic diseases. Last evaluated: 2025-12-16. Review status: criteria provided, single submitter. Criteria: Ambry Variant Classification Scheme 2023. Collection method: clinical testing. Allele origin: germline.

Labcorp Genetics (formerly Invitae), Labcorp
Classification: Uncertain significance for Adenylosuccinate lyase deficiency. Last evaluated: 2022-10-13. Review status: criteria provided, single submitter. Criteria: Invitae Variant Classification Sherloc (09022015). Collection method: clinical testing. Allele origin: germline.
Comment: This sequence change replaces asparagine, which is neutral and polar, with serine, which is neutral and polar, at codon 126 of the ADSL protein (p.Asn126Ser). This variant is present in population databases (rs771267221, gnomAD 0.0009%). This variant has not been reported in the literature in individuals affected with ADSL-related conditions. ClinVar contains an entry for this variant (Variation ID: 204811). Advanced modeling of protein sequence and biophysical properties (such as structural, functional, and spatial information, amino acid conservation, physicochemical variation, residue mobility, and thermodynamic stability) performed at Invitae indicates that this missense variant is not expected to disrupt ADSL protein function. In summary, the available evidence is currently insufficient to determine the role of this variant in disease. Therefore, it has been classified as a Variant of Uncertain Significance.

GeneDx
Classification: Uncertain significance. Last evaluated: 2015-04-15. Review status: criteria provided, single submitter. Criteria: GeneDx Variant Classification (06012015). Collection method: clinical testing. Allele origin: germline. Affected: yes.
Comment: p.Asn126Ser (AAT>AGT): c.377 A>G in exon 3 of the ADSL gene (NM_000026.2) The Asn126Ser missense change has not been published as a mutation, nor has it been reported as a benign polymorphism to our knowledge. The NHLBI ESP Exome Variant Project has not identified Asn126Ser in approximately 6,500 individuals of European or African American ethnicity, indicating that it is not a common benign variant in these populations. The amino acid substitution is conservative, as both Asparagine and Serine are uncharged, polar amino acid residues and it alters a position that is not highly conserved in the protein. However, multiple in-silico algorithms predict Asn126Ser is damaging to the structure/function of the protein. Therefore, based on the currently available information, it is unclear whether Asn126Ser is a disease-causing mutation or a rare benign variant. The variant is found in EPILEPSY panel(s).

NM_000026.4(ADSL):c.377A>G (p.Asn126Ser)

Gene: ADSL (adenylosuccinate lyase; plus strand). Cytogenetic location: 22q13.1.
Variant type: single nucleotide variant.
Coding change: c.377A>G on transcript NM_000026.4 (MANE Select); coding-DNA position 377, A replaced by G.
Protein change: p.Asn126Ser; replaces asparagine 126 with serine.
Molecular consequence: missense variant. On other transcripts: non-coding transcript variant (1).
Genome position (GRCh38, 1-based): chr22:40,353,092, A>G. VCF-style: chr22-40353092-A-G. GRCh37 (hg19) VCF-style: chr22-40749096-A-G.
Other names: p.N126S:AAT>AGT; c.377A>G, p.Asn126Ser (NM_001123378.3, NM_001363840.3); c.185A>G, p.Asn62Ser (NM_001317923.2); short protein forms N126S, N62S.
Identifiers: ClinVar variation 204811 (VCV000204811.10), dbSNP rs771267221, ClinGen allele CA313136.